The following is an entry in ClinVar:

ClinVar aggregate classification (germline): Uncertain significance (1 of 4 stars; one submission).

Conditions:
Renal cell carcinoma. Identifiers: Orphanet 217071, MedGen C0007134, MeSH D002292, MONDO:0005086, HP:0005584.

Submission:

Labcorp Genetics (formerly Invitae), Labcorp
Classification: Uncertain significance for Renal cell carcinoma. Last evaluated: 2023-04-26. Review status: criteria provided, single submitter. Criteria: Invitae Variant Classification Sherloc (09022015). Collection method: clinical testing. Allele origin: germline.
Comment: In summary, the available evidence is currently insufficient to determine the role of this variant in disease. Therefore, it has been classified as a Variant of Uncertain Significance. Variants that disrupt the consensus splice site are a relatively common cause of aberrant splicing (PMID: 17576681, 9536098). Algorithms developed to predict the effect of sequence changes on RNA splicing suggest that this variant is not likely to affect RNA splicing. This variant has not been reported in the literature in individuals affected with MET-related conditions. This variant is not present in population databases (gnomAD no frequency). This sequence change falls in intron 3 of the MET gene. It does not directly change the encoded amino acid sequence of the MET protein. It affects a nucleotide within the consensus splice site.

Literature cited by the submitters: PubMed 17576681; PubMed 9536098.

NM_000245.4(MET):c.1392+6T>C

Gene: MET (MET proto-oncogene, receptor tyrosine kinase; plus strand). Cytogenetic location: 7q31.2.
Variant type: single nucleotide variant.
Coding change: c.1392+6T>C on transcript NM_000245.4 (MANE Select); 6 bases into the intron after coding-DNA position 1392, T replaced by C.
Molecular consequence: intron variant.
Genome position (GRCh38, 1-based): chr7:116,731,865, T>C. VCF-style: chr7-116731865-T-C. GRCh37 (hg19) VCF-style: chr7-116371919-T-C.
Other names: c.1392+6T>C (NM_001127500.3, NM_001324401.3); c.102+6T>C (NM_001324402.2).
Identifiers: ClinVar variation 3020210 (VCV003020210.3), dbSNP rs1793022563, ClinGen allele CA2740097507.